The following is an entry in ClinVar:

ClinVar aggregate classification (germline): Likely pathogenic (1 of 4 stars; one submission).

Submission:

GeneDx
Classification: Likely pathogenic. Last evaluated: 2024-02-01. Review status: criteria provided, single submitter. Criteria: GeneDx Variant Classification Process June 2021. Collection method: clinical testing. Allele origin: germline. Affected: yes.
Comment: Identified in a patient with intellectual disability, short stature, speech delay, skeletal abnormalities, macrodontia, and facial features typical of KBG syndrome in published literature (PMID: 28815928); Not observed at significant frequency in large population cohorts (gnomAD); In silico analysis supports a deleterious effect on splicing; This variant is associated with the following publications: (PMID: 28815928, 33258288)

NM_013275.6(ANKRD11):c.7471-1G>C

Gene: ANKRD11 (ankyrin repeat domain containing 11; minus strand). Cytogenetic location: 16q24.3.
Variant type: single nucleotide variant.
Coding change: c.7471-1G>C on transcript NM_013275.6 (MANE Select); the canonical splice acceptor site of the intron before coding-DNA position 7471, G replaced by C.
Molecular consequence: splice acceptor variant.
Genome position (GRCh38, 1-based): chr16:89,275,192, C>G on the plus strand (G>C on the coding strand, the complement: ANKRD11 is on the minus strand). VCF-style: chr16-89275192-C-G. GRCh37 (hg19) VCF-style: chr16-89341600-C-G.
Other names: c.7471-1G>C (NM_001256183.2, NM_001256182.2).
Identifiers: ClinVar variation 3340385 (VCV003340385.1).